The following is an entry in ClinVar:

NM_001374259.2(IL12RB2):c.2167T>A (p.Cys723Ser)

Gene: IL12RB2 (interleukin 12 receptor subunit beta 2; plus strand). Cytogenetic location: 1p31.3.
Variant type: single nucleotide variant.
Coding change: c.2167T>A on transcript NM_001374259.2 (MANE Select); coding-DNA position 2167, T replaced by A.
Protein change: p.Cys723Ser; replaces cysteine 723 with serine.
Molecular consequence: missense variant. On other transcripts: 3 prime UTR variant (3), non-coding transcript variant (2).
Genome position (GRCh38, 1-based): chr1:67,395,667, T>A. VCF-style: chr1-67395667-T-A. GRCh37 (hg19) VCF-style: chr1-67861350-T-A.
Other names: c.2167T>A (NM_001559.2); c.*87T>A (NM_001258214.1, NM_001319233.1); c.1909T>A, p.Cys637Ser (NM_001258215.1); c.*68T>A (NM_001258216.1); c.2167T>A, p.Cys723Ser (NM_001559.3); short protein forms C637S, C723S.
Identifiers: ClinVar variation 1167772 (VCV001167772.37), dbSNP rs144657291, ClinGen allele CA900683.
Genomic context (GRCh38, chr1:67,395,667, plus strand): 5'-GAACCGCTGGTCATCAGTGAAGTCCTTCATCAAGTGACCCCAGTTTTCAGACATCCCCCC[T>A]GCTCCAACTGGCCACAAAGGGAAAAAGGAATCCAAGGTCATCAGGCCTCTGAGAAAGACA-3'
Protein context (NP_001361188.1, residues 713-733): QVTPVFRHPP[Cys723Ser]SNWPQREKGI

ClinVar aggregate classification (germline): Benign/Likely benign. Review status: criteria provided, multiple submitters, no conflicts (2 of 4 stars). 5 submissions from 5 submitters: Benign (2); Likely benign (2). 1 of the submissions does not count toward it. Last evaluated 2026-01-28.

Conditions:
IL12RB2-related disorder. Also called: IL12RB2-related condition.

Allele frequency attached by ClinVar (database versions not stated): TOPMed 0.00113; gnomAD 0.00116 and 0.00144; ESP Exome Variant Server 0.00131; 1000 Genomes Project 0.00140; gnomAD exomes 0.00149 and 0.00219; 1000 Genomes Project 30x 0.00172; ExAC 0.00242.
gnomAD v4.1: 2,418 of 1,614,196 alleles (0.15%); highest among the groups gnomAD compares: South Asian, 0.99%; 14 homozygotes.

Submissions (9):

Labcorp Genetics (formerly Invitae), Labcorp
Classification: Benign. Last evaluated: 2026-01-28. Review status: criteria provided, single submitter. Criteria: Invitae Variant Classification Sherloc (09022015). Collection method: clinical testing. Allele origin: germline.

Blueprint Genetics
Classification: Likely benign. Last evaluated: 2024-11-22. Review status: criteria provided, single submitter. Criteria: ACMG Guidelines, 2015. Collection method: clinical testing. Allele origin: germline.

CeGaT Center for Human Genetics Tuebingen
Classification: Likely benign. Last evaluated: 2023-02-01. Review status: criteria provided, single submitter. Criteria: CeGaT Center For Human Genetics Tuebingen Variant Classification Criteria Version 2. Collection method: clinical testing. Allele origin: germline. Affected: yes. Observed: 2 variant alleles.
Comment: IL12RB2: BP4, BS2

Breakthrough Genomics
Classification: Benign. Review status: criteria provided, single submitter. Criteria: ACMG Guidelines, 2015. Collection method: not provided. Allele origin: germline. Inheritance: Unknown mechanism. Affected: yes.

PreventionGenetics, part of Exact Sciences
Classification: Benign for IL12RB2-related condition. Last evaluated: 2023-05-01. Review status: no assertion criteria provided. Collection method: clinical testing. Allele origin: germline. Not counted in ClinVar's aggregate classification.
Comment: This variant is classified as benign based on ACMG/AMP sequence variant interpretation guidelines (Richards et al. 2015 PMID: 25741868, with internal and published modifications).

Dr. Peter K. Rogan Lab, Western University
No classification provided (evidence only). Condition: Clear cell carcinoma of kidney. Review status: no classification provided. Collection method: in vitro. Allele origin: not applicable. Functional consequence: retained intron. Not counted in ClinVar's aggregate classification.

Dr. Peter K. Rogan Lab, Western University
No classification provided (evidence only). Condition: Lung cancer. Review status: no classification provided. Collection method: in vitro. Allele origin: not applicable. Functional consequence: retained intron. Not counted in ClinVar's aggregate classification.

Dr. Peter K. Rogan Lab, Western University
No classification provided (evidence only). Condition: Uterine corpus endometrial carcinoma. Review status: no classification provided. Collection method: in vitro. Allele origin: not applicable. Functional consequence: retained intron. Not counted in ClinVar's aggregate classification.

Dr. Peter K. Rogan Lab, Western University
No classification provided (evidence only). Condition: Ovarian serous cystadenocarcinoma. Review status: no classification provided. Collection method: in vitro. Allele origin: not applicable. Functional consequence: retained intron. Not counted in ClinVar's aggregate classification.